The following is an entry in ClinVar:

NM_014384.3(ACAD8):c.887G>A (p.Arg296Gln)

Gene: ACAD8 (acyl-CoA dehydrogenase family member 8; plus strand). Cytogenetic location: 11q25.
Variant type: single nucleotide variant.
Coding change: c.887G>A on transcript NM_014384.3 (MANE Select); coding-DNA position 887, G replaced by A.
Protein change: p.Arg296Gln; replaces arginine 296 with glutamine.
Molecular consequence: missense variant.
Genome position (GRCh38, 1-based): chr11:134,261,320, G>A. VCF-style: chr11-134261320-G-A. GRCh37 (hg19) VCF-style: chr11-134131214-G-A.
Other names: p.Arg296Gln; short protein forms R296Q.
Identifiers: ClinVar variation 878977 (VCV000878977.13), dbSNP rs775062752, ClinGen allele CA6373125.

ClinVar aggregate classification (germline): Uncertain significance. Review status: criteria provided, multiple submitters, no conflicts (2 of 4 stars). 4 submissions from 4 submitters: Uncertain significance (4). Last evaluated 2026-05-01.

Conditions:
Deficiency of isobutyryl-CoA dehydrogenase. Also called: ACYL-CoA DEHYDROGENASE FAMILY, MEMBER 8, DEFICIENCY OF; ACAD8 DEFICIENCY; IBD DEFICIENCY. Identifiers: Orphanet 79159, MedGen C1969809, MONDO:0012648, OMIM 611283.

Allele frequency attached by ClinVar (database versions not stated): TOPMed 0.00004; gnomAD exomes 0.00007 and 0.00011; ExAC 0.00015.
gnomAD v4.1: 131 of 1,613,920 alleles (0.0081%); highest among the groups gnomAD compares: Middle Eastern, 0.033%; 1 homozygote.

Submissions (4):

CeGaT Center for Human Genetics Tuebingen
Classification: Uncertain significance. Last evaluated: 2026-05-01. Review status: criteria provided, single submitter. Criteria: CeGaT Center For Human Genetics Tuebingen Variant Classification Criteria Version 2. Collection method: clinical testing. Allele origin: germline. Affected: yes. Observed: 1 variant allele.
Comment: ACAD8: PM2:Supporting, PM3:Supporting

Labcorp Genetics (formerly Invitae), Labcorp
Classification: Uncertain significance for Deficiency of isobutyryl-CoA dehydrogenase. Last evaluated: 2025-06-02. Review status: criteria provided, single submitter. Criteria: Invitae Variant Classification Sherloc (09022015). Collection method: clinical testing. Allele origin: germline.
Comment: This sequence change replaces arginine, which is basic and polar, with glutamine, which is neutral and polar, at codon 296 of the ACAD8 protein (p.Arg296Gln). The frequency data for this variant in the population databases is considered unreliable, as metrics indicate poor data quality at this position in the gnomAD database. This variant has not been reported in the literature in individuals affected with ACAD8-related conditions. ClinVar contains an entry for this variant (Variation ID: 878977). Invitae Evidence Modeling of protein sequence and biophysical properties (such as structural, functional, and spatial information, amino acid conservation, physicochemical variation, residue mobility, and thermodynamic stability) indicates that this missense variant is not expected to disrupt ACAD8 protein function with a negative predictive value of 80%. In summary, the available evidence is currently insufficient to determine the role of this variant in disease. Therefore, it has been classified as a Variant of Uncertain Significance.

Mayo Clinic Laboratories, Mayo Clinic
Classification: Uncertain significance. Last evaluated: 2022-06-22. Review status: criteria provided, single submitter. Criteria: ACMG Guidelines, 2015. Collection method: clinical testing. Allele origin: germline. Observed: 1 variant allele.
Comment: PM2

Illumina Laboratory Services, Illumina
Classification: Uncertain significance for Deficiency of isobutyryl-CoA dehydrogenase. Last evaluated: 2018-01-13. Review status: criteria provided, single submitter. Criteria: ICSL Variant Classification Criteria 13 December 2019. Collection method: clinical testing. Allele origin: germline.